The following is an entry in ClinVar:

ClinVar aggregate classification (germline): Uncertain significance. Review status: criteria provided, multiple submitters, no conflicts (2 of 4 stars). 2 submissions from 2 submitters: Uncertain significance (2). Last evaluated 2026-09-11.

Conditions:
Hypercholesterolemia, autosomal dominant, type B (FHCL2). Also called: Familial Hypercholesterolemia Type B; APOLIPOPROTEIN B-100, FAMILIAL DEFECTIVE; APOLIPOPROTEIN B-100, FAMILIAL LIGAND-DEFECTIVE; HYPERCHOLESTEROLEMIA, FAMILIAL, DUE TO LIGAND-DEFECTIVE APOLIPOPROTEIN B; Familial hypercholesterolemia 2; Hyperlipoproteinemia Type IIb. Identifiers: MedGen C1704417, MONDO:0007751, OMIM 144010.
Familial hypobetalipoproteinemia 1. Also called: APOB-Related Familial Hypobetalipoproteinemia; Hypobetalipoproteinemia, normotriglyceridemic; Acanthocytosis with hypobetalipoproteinemia. Identifiers: MedGen C4551990, MONDO:0014252, OMIM 615558.
Cardiovascular phenotype. Identifiers: MedGen CN230736.

Allele frequency attached by ClinVar (database versions not stated): gnomAD exomes below 0.00001; TOPMed below 0.00001.
gnomAD v4.1: 1 of 1,614,118 alleles (0.000062%); highest among the groups gnomAD compares: African/African-American, 0.0013%; no homozygotes.

Submissions (2):

Ambry Genetics
Classification: Uncertain significance for Cardiovascular phenotype. Last evaluated: 2026-09-11. Review status: criteria provided, single submitter. Criteria: Ambry Variant Classification Scheme 2023. Collection method: clinical testing. Allele origin: germline.
Comment: The p.S1608T variant (also known as c.4822T>A), located in coding exon 26 of the APOB gene, results from a T to A substitution at nucleotide position 4822. The serine at codon 1608 is replaced by threonine, an amino acid with similar properties. This amino acid position is conserved. In addition, this alteration is predicted to be tolerated by in silico analysis. Based on the available evidence, the clinical significance of this variant remains unclear.

New York Genome Center
Classification: Uncertain significance for Hypercholesterolemia, autosomal dominant, type B; Familial hypobetalipoproteinemia 1. Last evaluated: 2023-07-12. Review status: criteria provided, single submitter. Criteria: NYGC Assertion Criteria 2020. Collection method: clinical testing. Allele origin: germline. Observed: 1 heterozygote.

NM_000384.3(APOB):c.4822T>A (p.Ser1608Thr)

Gene: APOB (apolipoprotein B; minus strand). Cytogenetic location: 2p24.1.
Variant type: single nucleotide variant.
Coding change: c.4822T>A on transcript NM_000384.3 (MANE Select); coding-DNA position 4822, T replaced by A.
Protein change: p.Ser1608Thr; replaces serine 1608 with threonine.
Molecular consequence: missense variant.
Genome position (GRCh38, 1-based): chr2:21,012,046, A>T on the plus strand (T>A on the coding strand, the complement: APOB is on the minus strand). VCF-style: chr2-21012046-A-T. GRCh37 (hg19) VCF-style: chr2-21234918-A-T.
Other names: short protein forms S1608T.
Identifiers: ClinVar variation 2665046 (VCV002665046.3), dbSNP rs1341097223, ClinGen allele CA346006048.